The following is an entry in ClinVar:

NM_001048174.2(MUTYH):c.662T>C (p.Ile221Thr)

Gene: MUTYH (mutY DNA glycosylase; minus strand). Cytogenetic location: 1p34.1.
Variant type: single nucleotide variant.
Coding change: c.662T>C on transcript NM_001048174.2 (MANE Select); coding-DNA position 662, T replaced by C.
Protein change: p.Ile221Thr; replaces isoleucine 221 with threonine.
Molecular consequence: missense variant. On other transcripts: non-coding transcript variant (2).
Genome position (GRCh38, 1-based): chr1:45,332,433, A>G on the plus strand (T>C on the coding strand, the complement: MUTYH is on the minus strand). VCF-style: chr1-45332433-A-G. GRCh37 (hg19) VCF-style: chr1-45798105-A-G.
Other names: c.662T>C, p.Ile221Thr (NM_001048171.2, NM_001048173.2, NM_001293195.2); c.665T>C, p.Ile222Thr (NM_001048172.2); c.746T>C, p.Ile249Thr (NM_001128425.2); c.707T>C, p.Ile236Thr (NM_001293190.2); c.695T>C, p.Ile232Thr (NM_001293191.2); c.386T>C, p.Ile129Thr (NM_001293192.2, NM_001293196.2); c.317T>C, p.Ile106Thr (NM_001350650.2, NM_001350651.2); c.737T>C, p.Ile246Thr (NM_012222.3); short protein forms I221T, I222T, I236T, I246T, I106T, I129T, I232T, I249T.
Identifiers: ClinVar variation 827073 (VCV000827073.8), dbSNP rs1570407749, ClinGen allele CA340134829.

ClinVar aggregate classification (germline): Conflicting classifications of pathogenicity. Review status: criteria provided, conflicting classifications (1 of 4 stars). 2 submissions from 2 submitters: Likely pathogenic (1); Uncertain significance (1). Last evaluated 2025-08-15.

Conditions:
Hereditary cancer-predisposing syndrome. Also called: Tumor predisposition; Hereditary Cancer Syndrome; Hereditary neoplastic syndrome; Neoplastic Syndromes, Hereditary. Identifiers: Orphanet 140162, MedGen C0027672, MeSH D009386, MONDO:0015356.
Familial adenomatous polyposis 2. Also called: FAP type 2; MUTYH Polyposis; COLORECTAL ADENOMATOUS POLYPOSIS, AUTOSOMAL RECESSIVE; ADENOMAS, MULTIPLE COLORECTAL, AUTOSOMAL RECESSIVE; MUTYH-associated polyposis; MUTYH-related attenuated familial adenomatous polyposis. Identifiers: Orphanet 220460, Orphanet 247798, MedGen C3272841, MONDO:0012041, OMIM 608456.

Submissions (2):

Ambry Genetics
Classification: Likely pathogenic for Hereditary cancer-predisposing syndrome. Last evaluated: 2025-08-15. Review status: criteria provided, single submitter. Criteria: Ambry Variant Classification Scheme 2023. Collection method: clinical testing. Allele origin: germline.
Comment: The p.I249T variant (also known as c.746T>C), located in coding exon 9 of the MUTYH gene, results from a T to C substitution at nucleotide position 746. The isoleucine at codon 249 is replaced by threonine, an amino acid with similar properties. In a massively parallel cell-based functional assay testing 7,8-dihydro-8- oxoguanine:adenine (8OG:A) repair activity, a byproduct of oxidative damage, this variant was reported to be non-functional (Hemker SL et al. Am J Hum Genet. Published online July 29, 2025. DOI: 10.1016/j.ajhg.2025.07.005). This amino acid position is highly conserved in available vertebrate species. In addition, this alteration is predicted to be deleterious by in silico analysis. This variant is considered to be rare based on population cohorts in the Genome Aggregation Database (gnomAD). Based on the majority of available evidence to date, this variant is likely to be pathogenic.

Labcorp Genetics (formerly Invitae), Labcorp
Classification: Uncertain significance for Familial adenomatous polyposis 2. Last evaluated: 2024-09-15. Review status: criteria provided, single submitter. Criteria: Invitae Variant Classification Sherloc (09022015). Collection method: clinical testing. Allele origin: germline.
Comment: This sequence change replaces isoleucine, which is neutral and non-polar, with threonine, which is neutral and polar, at codon 249 of the MUTYH protein (p.Ile249Thr). This variant is not present in population databases (gnomAD no frequency). This variant has not been reported in the literature in individuals affected with MUTYH-related conditions. ClinVar contains an entry for this variant (Variation ID: 827073). An algorithm developed to predict the effect of missense changes on protein structure and function (PolyPhen-2) suggests that this variant is likely to be disruptive. In summary, the available evidence is currently insufficient to determine the role of this variant in disease. Therefore, it has been classified as a Variant of Uncertain Significance.

Literature cited by the submitters: PubMed 40738107 (cited by Ambry Genetics).